The following is an entry in ClinVar:

NM_015340.4(LARS2):c.2101C>G (p.Arg701Gly)

Gene: LARS2 (leucyl-tRNA synthetase 2, mitochondrial; plus strand). Cytogenetic location: 3p21.31.
Variant type: single nucleotide variant.
Coding change: c.2101C>G on transcript NM_015340.4 (MANE Select); coding-DNA position 2101, C replaced by G.
Protein change: p.Arg701Gly; replaces arginine 701 with glycine.
Molecular consequence: missense variant.
Genome position (GRCh38, 1-based): chr3:45,517,959, C>G. VCF-style: chr3-45517959-C-G. GRCh37 (hg19) VCF-style: chr3-45559451-C-G.
Other names: c.2101C>G, p.Arg701Gly (NM_001368263.1); short protein forms R701G.
Identifiers: ClinVar variation 2442724 (VCV002442724.1), dbSNP rs771007598, ClinGen allele CA2349774.

ClinVar aggregate classification (germline): Uncertain significance (1 of 4 stars; one submission).

gnomAD v4.1: 5 of 1,613,912 alleles (0.00031%); highest among the groups gnomAD compares: Admixed American, 0.005%; no homozygotes.

Submission:

GeneDx
Classification: Uncertain significance. Last evaluated: 2023-03-02. Review status: criteria provided, single submitter. Criteria: GeneDx Variant Classification Process June 2021. Collection method: clinical testing. Allele origin: germline. Affected: yes.
Comment: Not observed at significant frequency in large population cohorts (gnomAD); In silico analysis supports that this missense variant does not alter protein structure/function; Has not been previously published as pathogenic or benign to our knowledge